The following is an entry in ClinVar:

NM_001457.4(FLNB):c.1934C>G (p.Pro645Arg)

Gene: FLNB (filamin B; plus strand). Cytogenetic location: 3p14.3.
Variant type: single nucleotide variant.
Coding change: c.1934C>G on transcript NM_001457.4 (MANE Select); coding-DNA position 1934, C replaced by G.
Protein change: p.Pro645Arg; replaces proline 645 with arginine.
Molecular consequence: missense variant.
Genome position (GRCh38, 1-based): chr3:58,106,866, C>G. VCF-style: chr3-58106866-C-G. GRCh37 (hg19) VCF-style: chr3-58092593-C-G.
Other names: c.1934C>G, p.Pro645Arg (NM_001164317.2, NM_001164318.2, NM_001164319.2); short protein forms P645R.
Identifiers: ClinVar variation 2720022 (VCV002720022.3), dbSNP rs2471077407, ClinGen allele CA353340856.

ClinVar aggregate classification (germline): Uncertain significance (1 of 4 stars; one submission).

Submission:

Labcorp Genetics (formerly Invitae), Labcorp
Classification: Uncertain significance. Last evaluated: 2023-06-20. Review status: criteria provided, single submitter. Criteria: Invitae Variant Classification Sherloc (09022015). Collection method: clinical testing. Allele origin: germline.
Comment: This variant has not been reported in the literature in individuals affected with FLNB-related conditions. This variant is not present in population databases (gnomAD no frequency). This sequence change replaces proline, which is neutral and non-polar, with arginine, which is basic and polar, at codon 645 of the FLNB protein (p.Pro645Arg). Advanced modeling of protein sequence and biophysical properties (such as structural, functional, and spatial information, amino acid conservation, physicochemical variation, residue mobility, and thermodynamic stability) performed at Invitae indicates that this missense variant is not expected to disrupt FLNB protein function. In summary, the available evidence is currently insufficient to determine the role of this variant in disease. Therefore, it has been classified as a Variant of Uncertain Significance.